The following is an entry in ClinVar:

ClinVar aggregate classification (germline): Likely benign. Review status: criteria provided, multiple submitters, no conflicts (2 of 4 stars). 3 submissions from 3 submitters: Likely benign (3). Last evaluated 2026-05-01.

Conditions:
Noonan syndrome 9 (NS9). Identifiers: Orphanet 648, MedGen C4225282, MONDO:0014691, OMIM 616559.
Cardiovascular phenotype. Identifiers: MedGen CN230736.

Allele frequency attached by ClinVar (database versions not stated): ExAC 0.00001.
gnomAD v4.1: 2 of 1,610,006 alleles (0.00012%); highest among the groups gnomAD compares: Non-Finnish European, 0.000085%; no homozygotes.

Submissions (3):

CeGaT Center for Human Genetics Tuebingen
Classification: Likely benign. Last evaluated: 2026-05-01. Review status: criteria provided, single submitter. Criteria: CeGaT Center For Human Genetics Tuebingen Variant Classification Criteria Version 2. Collection method: clinical testing. Allele origin: germline. Affected: yes. Observed: 1 variant allele.
Comment: SOS2: BP4, BP7

Labcorp Genetics (formerly Invitae), Labcorp
Classification: Likely benign for Noonan syndrome 9. Last evaluated: 2024-07-10. Review status: criteria provided, single submitter. Criteria: Invitae Variant Classification Sherloc (09022015). Collection method: clinical testing. Allele origin: germline.

Ambry Genetics
Classification: Likely benign for Cardiovascular phenotype. Last evaluated: 2020-05-23. Review status: criteria provided, single submitter. Criteria: Ambry Variant Classification Scheme 2023. Collection method: clinical testing. Allele origin: germline.

NM_006939.4(SOS2):c.1884A>G (p.Thr628=)

Gene: SOS2 (SOS Ras/Rho guanine nucleotide exchange factor 2; minus strand). Cytogenetic location: 14q21.3.
Variant type: single nucleotide variant.
Coding change: c.1884A>G on transcript NM_006939.4 (MANE Select); coding-DNA position 1884, A replaced by G.
Protein change: p.Thr628=; no amino-acid change (threonine 628 retained).
Molecular consequence: synonymous variant.
Genome position (GRCh38, 1-based): chr14:50,158,615, T>C on the plus strand (A>G on the coding strand, the complement: SOS2 is on the minus strand). VCF-style: chr14-50158615-T-C. GRCh37 (hg19) VCF-style: chr14-50625333-T-C.
Other names: c.1785A>G, p.Thr595= (NM_001411020.1).
Identifiers: ClinVar variation 1781940 (VCV001781940.7), dbSNP rs781172817, ClinGen allele CA7177216.